The following is an entry in ClinVar:

NM_003238.6(TGFB2):c.583G>T (p.Glu195Ter)

Gene: TGFB2 (transforming growth factor beta 2; plus strand). Cytogenetic location: 1q41.
Variant type: single nucleotide variant.
Coding change: c.583G>T on transcript NM_003238.6 (MANE Select); coding-DNA position 583, G replaced by T.
Protein change: p.Glu195Ter; replaces glutamic acid 195 with a stop codon.
Molecular consequence: nonsense. On other transcripts: non-coding transcript variant (2).
Genome position (GRCh38, 1-based): chr1:218,434,154, G>T. VCF-style: chr1-218434154-G-T. GRCh37 (hg19) VCF-style: chr1-218607496-G-T.
Other names: p.E195*:GAA>TAA; c.667G>T, p.Glu223Ter (NM_001135599.4); short protein forms E195*, E223*.
Identifiers: ClinVar variation 213841 (VCV000213841.10), dbSNP rs863223790, ClinGen allele CA323602.

ClinVar aggregate classification (germline): Pathogenic. Review status: criteria provided, multiple submitters, no conflicts (2 of 4 stars). 2 submissions from 2 submitters: Pathogenic (2). Last evaluated 2023-03-14.

Conditions:
Loeys-Dietz syndrome 4 (LDS4). Also called: ANEURYSM, AORTIC AND CEREBRAL, WITH ARTERIAL TORTUOSITY AND SKELETAL MANIFESTATIONS; TGFB2-Related Loeys-Dietz Syndrome. Identifiers: MedGen C3553762, MONDO:0013897, OMIM 614816.

Allele frequency attached by ClinVar (database versions not stated): gnomAD 0.00001.
gnomAD v4.1: 1 of 1,614,100 alleles (0.000062%); highest among the groups gnomAD compares: African/African-American, 0.0013%; no homozygotes.

Submissions (2):

Labcorp Genetics (formerly Invitae), Labcorp
Classification: Pathogenic for Loeys-Dietz syndrome 4. Last evaluated: 2023-03-14. Review status: criteria provided, single submitter. Criteria: Invitae Variant Classification Sherloc (09022015). Collection method: clinical testing. Allele origin: germline.
Comment: For these reasons, this variant has been classified as Pathogenic. ClinVar contains an entry for this variant (Variation ID: 213841). This variant has not been reported in the literature in individuals affected with TGFB2-related conditions. This variant is not present in population databases (gnomAD no frequency). This sequence change creates a premature translational stop signal (p.Glu195*) in the TGFB2 gene. It is expected to result in an absent or disrupted protein product. Loss-of-function variants in TGFB2 are known to be pathogenic (PMID: 22772368, 22772371, 30739908).

GeneDx
Classification: Pathogenic. Last evaluated: 2014-09-03. Review status: criteria provided, single submitter. Criteria: GeneDx Variant Classification (06012015). Collection method: clinical testing. Allele origin: germline. Affected: yes.
Comment: p.Glu195Ter (GAA>TAA): c.583 G>T in exon 3 of the TGFB2 gene (NM_003238.3). Mutations in TGFB2 are found in approximately 1% of individuals with Loeys-Dietz syndrome (LDS; Loeys BL and Dietz HC, 2013). Patients with a mutation in TGFB2 may present with a milder phenotype, although features of classic LDS may occur (Boileau et al., 2012). Features common in carriers of mutations in TGFB2 include club feet and mitral valve disease (Loeys BL and Dietz HC, 2013).The E195X mutation in the TGFB2 gene has not been reported as a disease-causing mutation or as a benign polymorphism to our knowledge. E195X is predicted to cause loss of normal protein function either by protein truncation or nonsense-mediated mRNA decay. Other nonsense mutations in the TGFB2 gene have been reported in association with a TAAD-related disorder. In summary, E195X in the TGFB2 gene is interpreted as a disease-causing mutation. This variant was found in TAAD.

Literature cited by the submitters: PubMed 22772368 (cited by Labcorp Genetics (formerly Invitae), Labcorp); PubMed 22772371 (cited by Labcorp Genetics (formerly Invitae), Labcorp); PubMed 30739908 (cited by Labcorp Genetics (formerly Invitae), Labcorp).